The following is an entry in ClinVar:

NM_000036.3(AMPD1):c.1391A>G (p.Asp464Gly)

Gene: AMPD1 (adenosine monophosphate deaminase 1; minus strand). Cytogenetic location: 1p13.2.
Variant type: single nucleotide variant.
Coding change: c.1391A>G on transcript NM_000036.3 (MANE Select); coding-DNA position 1391, A replaced by G.
Protein change: p.Asp464Gly; replaces aspartic acid 464 with glycine.
Molecular consequence: missense variant.
Genome position (GRCh38, 1-based): chr1:114,676,001, T>C on the plus strand (A>G on the coding strand, the complement: AMPD1 is on the minus strand). VCF-style: chr1-114676001-T-C. GRCh37 (hg19) VCF-style: chr1-115218622-T-C.
Other names: c.1379A>G, p.Asp460Gly (NM_001172626.2); short protein forms D464G, D460G.
Identifiers: ClinVar variation 2851029 (VCV002851029.3), dbSNP rs2526343949, ClinGen allele CA341748182.

ClinVar aggregate classification (germline): Uncertain significance (1 of 4 stars; one submission).

Conditions:
Muscle AMP deaminase deficiency (MMDD). Also called: Myoadenylate deaminase deficiency, myopathy due to; Adenosine monophosphate deaminase 1 deficiency; AMP deaminase 1 deficiency; Adenosine Monophosphate Deaminase 1; ADENOSINE MONOPHOSPHATE DEAMINASE-1 DEFICIENCY, MYOPATHY DUE TO; AMPD1 DEFICIENCY. Identifiers: Orphanet 45, MedGen C3714933, MONDO:0014220, OMIM 615511.

gnomAD v4.1: 4 of 1,613,786 alleles (0.00025%); highest among the groups gnomAD compares: Non-Finnish European, 0.00034%; no homozygotes.

Submission:

Labcorp Genetics (formerly Invitae), Labcorp
Classification: Uncertain significance for Muscle AMP deaminase deficiency. Last evaluated: 2024-05-20. Review status: criteria provided, single submitter. Criteria: Invitae Variant Classification Sherloc (09022015). Collection method: clinical testing. Allele origin: germline.
Comment: This sequence change replaces aspartic acid, which is acidic and polar, with glycine, which is neutral and non-polar, at codon 497 of the AMPD1 protein (p.Asp497Gly). This variant is not present in population databases (gnomAD no frequency). This variant has not been reported in the literature in individuals affected with AMPD1-related conditions. An algorithm developed to predict the effect of missense changes on protein structure and function (PolyPhen-2) suggests that this variant is likely to be disruptive. In summary, the available evidence is currently insufficient to determine the role of this variant in disease. Therefore, it has been classified as a Variant of Uncertain Significance.